The following is an entry in ClinVar:

NM_001854.4(COL11A1):c.1845+2T>A

Gene: COL11A1 (collagen type XI alpha 1 chain; minus strand). Cytogenetic location: 1p21.1.
Variant type: single nucleotide variant.
Coding change: c.1845+2T>A on transcript NM_001854.4 (MANE Select); the canonical splice donor site of the intron after coding-DNA position 1845, T replaced by A.
Molecular consequence: splice donor variant.
Genome position (GRCh38, 1-based): chr1:103,005,836, A>T on the plus strand (T>A on the coding strand, the complement: COL11A1 is on the minus strand). VCF-style: chr1-103005836-A-T. GRCh37 (hg19) VCF-style: chr1-103471392-A-T.
Other names: c.1728+2T>A (NM_001190709.2); c.1881+2T>A (NM_080629.3); c.1497+2T>A (NM_080630.4).
Identifiers: ClinVar variation 4724446 (VCV004724446.1).

ClinVar aggregate classification (germline): Pathogenic (1 of 4 stars; one submission).

Submission:

Labcorp Genetics (formerly Invitae), Labcorp
Classification: Pathogenic. Last evaluated: 2025-07-30. Review status: criteria provided, single submitter. Criteria: Invitae Variant Classification Sherloc (09022015). Collection method: clinical testing. Allele origin: germline.
Comment: This sequence change affects a donor splice site in intron 18 of the COL11A1 gene. It is expected to disrupt RNA splicing. Variants that disrupt the donor or acceptor splice site typically lead to a loss of protein function (PMID: 16199547), and loss-of-function variants in COL11A1 are known to be pathogenic (PMID: 20513134, 21035103, 23922384, 25240749, 32427345, 32756486). This variant is not present in population databases (gnomAD no frequency). Disruption of this splice site has been observed in individual(s) with Marshall-Stickler syndrome (PMID: 28983407). Algorithms developed to predict the effect of sequence changes on RNA splicing suggest that this variant may disrupt the consensus splice site. For these reasons, this variant has been classified as Pathogenic.

Literature cited by the submitters: PubMed 16199547; PubMed 20513134; PubMed 21035103; PubMed 23922384; PubMed 25240749; PubMed 32427345; PubMed 32756486; PubMed 28983407.